The following is an entry in ClinVar:

ClinVar aggregate classification (germline): Pathogenic (1 of 4 stars; one submission).

Conditions:
Severe intellectual disability-progressive spastic diplegia syndrome (NEDSDV). Also called: CTNNB1 Neurodevelopmental Disorder; NEURODEVELOPMENTAL DISORDER WITH SPASTIC DIPLEGIA AND VISUAL DEFECTS. Identifiers: Orphanet 404473, MedGen C3554449, MONDO:0014035, OMIM 615075.

Submission:

Victorian Clinical Genetics Services, Murdoch Childrens Research Institute
Classification: Pathogenic for Severe intellectual disability-progressive spastic diplegia syndrome. Last evaluated: 2022-02-02. Review status: criteria provided, single submitter. Criteria: ACMG Guidelines, 2015. Collection method: clinical testing. Allele origin: germline. Inheritance: Autosomal dominant inheritance. Affected: yes.
Comment: Based on the classification scheme VCGS_Germline_v1.3.3, this variant is classified as Pathogenic. Following criteria are met: 0102 - Loss of function is a known mechanism of disease in this gene and is associated with CTNNB1-related neurodevelopmental disorder (PMID: 25326669). (I) 0107 - This gene is associated with autosomal dominant disease. (I) 0210 - Splice site variant proven to affect splicing of the transcript with a known effect on protein sequence. Functional studies on this variant have shown two abnormal splicing events. The first event causes exon 4 skipping (r.242_495del) leading to a frameshift and a premature termination codon (p.Asp81Glyfs*4). The second event involves the use of a cryptic (3’) acceptor splice site in exon 4 (r.244_390del) which also results in a frameshift and a premature termination codon (p.Ile82Alafs*10). Both of these transcripts are predicted to cause nonsense-mediated decay (NMD) and loss of protein (Splicing Diagnostics, Kids Neuroscience Centre). (SP) 0251 - This variant is heterozygous. (I) 0301 - Variant is absent from gnomAD (both v2 and v3). (SP) 0701 - Other NMD predicted variants comparable to the one identified in this case have very strong previous evidence for pathogenicity. Many other NMD-predicted variants have previously been classified as pathogenic in ClinVar. (SP) 0807 - This variant has no previous evidence of pathogenicity. (I) 0905 - No published segregation evidence has been identified for this variant. (I) 1007 - No published functional evidence has been identified for this variant. (SP) Legend: (SP) - Supporting pathogenic, (I) - Information, (SB) - Supporting benign

Literature cited by the submitters: PubMed 25326669.

NM_001904.4(CTNNB1):c.242-3C>A

Genes: CTNNB1 (catenin beta 1; plus strand), LOC126806658 (BRD4-independent group 4 enhancer GRCh37_chr3:41265899-41267098; plus strand). Cytogenetic location: 3p22.1.
Variant type: single nucleotide variant.
Coding change: c.242-3C>A on transcript NM_001904.4 (MANE Select); 3 bases into the intron before coding-DNA position 242, C replaced by A.
Molecular consequence: intron variant.
Genome position (GRCh38, 1-based): chr3:41,224,951, C>A. VCF-style: chr3-41224951-C-A. GRCh37 (hg19) VCF-style: chr3-41266442-C-A.
Other names: c.221-3C>A (NM_001330729.2); c.242-3C>A (NM_001098209.2, NM_001098210.2).
Identifiers: ClinVar variation 1805870 (VCV001805870.1), dbSNP rs2125619545, ClinGen allele CA1139771223.